The following is an entry in ClinVar:

NM_001134363.3(RBM20):c.2119T>A (p.Trp707Arg)

Gene: RBM20 (RNA binding motif protein 20; plus strand). Cytogenetic location: 10q25.2.
Variant type: single nucleotide variant.
Coding change: c.2119T>A on transcript NM_001134363.3 (MANE Select); coding-DNA position 2119, T replaced by A.
Protein change: p.Trp707Arg; replaces tryptophan 707 with arginine.
Molecular consequence: missense variant.
Genome position (GRCh38, 1-based): chr10:110,812,516, T>A. VCF-style: chr10-110812516-T-A. GRCh37 (hg19) VCF-style: chr10-112572274-T-A.
Other names: c.2119T>A (LRG_382t1); short protein forms W707R.
Identifiers: ClinVar variation 432859 (VCV000432859.8), dbSNP rs1554842725, ClinGen allele CA378371941.

ClinVar aggregate classification (germline): Uncertain significance. Review status: criteria provided, multiple submitters, no conflicts (2 of 4 stars). 3 submissions from 3 submitters: Uncertain significance (3). Last evaluated 2026-01-11.

Conditions:
Dilated cardiomyopathy 1DD (CMD1DD). Identifiers: Orphanet 154, MedGen C2750995, MONDO:0013168, OMIM 613172.

Allele frequency attached by ClinVar (database versions not stated): TOPMed below 0.00001; gnomAD exomes 0.00001.
gnomAD v4.1: 3 of 1,551,650 alleles (0.00019%); highest among the groups gnomAD compares: Admixed American, 0.0059%; no homozygotes.

Submissions (3):

Labcorp Genetics (formerly Invitae), Labcorp
Classification: Uncertain significance for Dilated cardiomyopathy 1DD. Last evaluated: 2026-01-11. Review status: criteria provided, single submitter. Criteria: Invitae Variant Classification Sherloc (09022015). Collection method: clinical testing. Allele origin: germline.
Comment: This sequence change replaces tryptophan, which is neutral and slightly polar, with arginine, which is basic and polar, at codon 707 of the RBM20 protein (p.Trp707Arg). This variant is not present in population databases (gnomAD no frequency). This variant has not been reported in the literature in individuals affected with RBM20-related conditions. ClinVar contains an entry for this variant (Variation ID: 432859). Invitae Evidence Modeling of protein sequence and biophysical properties (such as structural, functional, and spatial information, amino acid conservation, physicochemical variation, residue mobility, and thermodynamic stability) indicates that this missense variant is not expected to disrupt RBM20 protein function with a negative predictive value of 95%. In summary, the available evidence is currently insufficient to determine the role of this variant in disease. Therefore, it has been classified as a Variant of Uncertain Significance.

Blueprint Genetics
Classification: Uncertain significance. Last evaluated: 2021-07-12. Review status: criteria provided, single submitter. Criteria: ACMG Guidelines, 2015. Collection method: clinical testing. Allele origin: germline.

GeneDx
Classification: Uncertain significance. Last evaluated: 2017-06-16. Review status: criteria provided, single submitter. Criteria: GeneDx Variant Classification (06012015). Collection method: clinical testing. Allele origin: germline. Affected: yes.
Comment: A variant of uncertain significance has been identified in the RBM20 gene. The W707R variant has not been published as pathogenic or been reported as benign to our knowledge. This variant is also not observed in large population cohorts (Lek et al., 2016; 1000 Genomes Consortium et al., 2015; Exome Variant Server). The W707R variant is a non-conservative amino acid substitution, which is likely to impact secondary protein structure as these residues differ in polarity, charge, size and/or other properties. This substitution also occurs at a position that is conserved in mammals and in silico analysis predicts this variant is probably damaging to the protein structure/function. Nevertheless, while this variant is located in exon 9, it is not located in the hot-spot" region of the RBM20 gene, where many pathogenic variants are located (Brauch et al., 2009). Additionally, this variant has not been observed in a significant number of affected individuals and it lacks both segregation and functional data which would further clarify its pathogenicity."